The following is an entry in ClinVar:

ClinVar aggregate classification (germline): Uncertain significance. Review status: criteria provided, multiple submitters, no conflicts (2 of 4 stars). 4 submissions from 4 submitters: Uncertain significance (4). Last evaluated 2025-12-09.

Conditions:
Creatine transporter deficiency (CCDS1). Also called: CEREBRAL CREATINE DEFICIENCY SYNDROME 1; Mental retardation , X-linked with seizures, short stature and midface hypoplasia; Mental retardation , X-linked, with creatine transport deficiency; X-linked creatine transporter deficiency; X-linked creatine deficiency syndrome; SLC6A8-Related Creatine Transporter Deficiency. Identifiers: Orphanet 52503, MedGen C1845862, MONDO:0010305, OMIM 300352.

Allele frequency attached by ClinVar (database versions not stated): gnomAD exomes below 0.00001.
gnomAD v4.1: 2 of 1,202,406 alleles (0.00017%); highest among the groups gnomAD compares: Non-Finnish European, 0.00022%; no homozygotes.

Submissions (4):

GeneDx
Classification: Uncertain significance. Last evaluated: 2025-12-09. Review status: criteria provided, single submitter. Criteria: GeneDx Variant Classification Process June 2021. Collection method: clinical testing. Allele origin: germline.
Comment: Not observed at significant frequency in large population cohorts (gnomAD); In silico analysis supports that this missense variant has a deleterious effect on protein structure/function; Has not been previously published as pathogenic or benign to our knowledge

Labcorp Genetics (formerly Invitae), Labcorp
Classification: Uncertain significance for Creatine transporter deficiency. Last evaluated: 2023-03-16. Review status: criteria provided, single submitter. Criteria: Invitae Variant Classification Sherloc (09022015). Collection method: clinical testing. Allele origin: germline.
Comment: In summary, the available evidence is currently insufficient to determine the role of this variant in disease. Therefore, it has been classified as a Variant of Uncertain Significance. Advanced modeling of protein sequence and biophysical properties (such as structural, functional, and spatial information, amino acid conservation, physicochemical variation, residue mobility, and thermodynamic stability) performed at Invitae indicates that this missense variant is not expected to disrupt SLC6A8 protein function. ClinVar contains an entry for this variant (Variation ID: 1285463). This variant has not been reported in the literature in individuals affected with SLC6A8-related conditions. This variant is not present in population databases (gnomAD no frequency). This sequence change replaces alanine, which is neutral and non-polar, with threonine, which is neutral and polar, at codon 136 of the SLC6A8 protein (p.Ala136Thr).

Institute of Human Genetics, University of Leipzig Medical Center
Classification: Uncertain significance for Creatine transporter deficiency. Last evaluated: 2021-12-23. Review status: criteria provided, single submitter. Criteria: ACMG Guidelines, 2015. Collection method: clinical testing. Allele origin: maternal. Affected: yes.
Comment: _x000D_ Criteria applied: PM2_SUP, PM5, PP3

Blueprint Genetics
Classification: Uncertain significance. Last evaluated: 2020-07-21. Review status: criteria provided, single submitter. Criteria: ACMG Guidelines, 2015. Collection method: clinical testing. Allele origin: germline.

NM_005629.4(SLC6A8):c.406G>A (p.Ala136Thr)

Gene: SLC6A8 (solute carrier family 6 member 8; plus strand). Cytogenetic location: Xq28.
Variant type: single nucleotide variant.
Coding change: c.406G>A on transcript NM_005629.4 (MANE Select); coding-DNA position 406, G replaced by A.
Protein change: p.Ala136Thr; replaces alanine 136 with threonine.
Molecular consequence: missense variant.
Genome position (GRCh38, 1-based): chrX:153,691,315, G>A. VCF-style: chrX-153691315-G-A. GRCh37 (hg19) VCF-style: chrX-152956770-G-A.
Other names: c.406G>A (NM_005629.3); c.406G>A, p.Ala136Thr (NM_001142805.2); c.61G>A, p.Ala21Thr (NM_001142806.1); short protein forms A136T, A21T.
Identifiers: ClinVar variation 1285463 (VCV001285463.9), dbSNP rs1557044406, ClinGen allele CA415078320.